The following is an entry in ClinVar:

ClinVar aggregate classification (germline): Uncertain significance. Review status: criteria provided, multiple submitters, no conflicts (2 of 4 stars). 3 submissions from 3 submitters: Uncertain significance (3). Last evaluated 2023-11-20.

Conditions:
Inborn genetic diseases. Identifiers: MedGen C0950123, MeSH D030342.

Allele frequency attached by ClinVar (database versions not stated): gnomAD exomes below 0.00001 and 0.00001; ExAC 0.00002; TOPMed 0.00002.
gnomAD v4.1: 1 of 1,612,002 alleles (0.000062%); highest among the groups gnomAD compares: Admixed American, 0.0017%; no homozygotes.

Submissions (3):

Labcorp Genetics (formerly Invitae), Labcorp
Classification: Uncertain significance. Last evaluated: 2023-11-20. Review status: criteria provided, single submitter. Criteria: Invitae Variant Classification Sherloc (09022015). Collection method: clinical testing. Allele origin: germline.
Comment: This sequence change replaces aspartic acid, which is acidic and polar, with valine, which is neutral and non-polar, at codon 452 of the PDE6A protein (p.Asp452Val). This variant is present in population databases (rs763913898, gnomAD 0.006%). This variant has not been reported in the literature in individuals affected with PDE6A-related conditions. ClinVar contains an entry for this variant (Variation ID: 1508361). Advanced modeling of protein sequence and biophysical properties (such as structural, functional, and spatial information, amino acid conservation, physicochemical variation, residue mobility, and thermodynamic stability) performed at Invitae indicates that this missense variant is not expected to disrupt PDE6A protein function with a negative predictive value of 80%. In summary, the available evidence is currently insufficient to determine the role of this variant in disease. Therefore, it has been classified as a Variant of Uncertain Significance.

Ambry Genetics
Classification: Uncertain significance for Inborn genetic diseases. Last evaluated: 2022-10-26. Review status: criteria provided, single submitter. Criteria: Ambry Variant Classification Scheme 2023. Collection method: clinical testing. Allele origin: germline.

Blueprint Genetics
Classification: Uncertain significance. Last evaluated: 2022-01-13. Review status: criteria provided, single submitter. Criteria: ACMG Guidelines, 2015. Collection method: clinical testing. Allele origin: germline.

NM_000440.3(PDE6A):c.1355A>T (p.Asp452Val)

Gene: PDE6A (phosphodiesterase 6A; minus strand). Cytogenetic location: 5q32.
Variant type: single nucleotide variant.
Coding change: c.1355A>T on transcript NM_000440.3 (MANE Select); coding-DNA position 1355, A replaced by T.
Protein change: p.Asp452Val; replaces aspartic acid 452 with valine.
Molecular consequence: missense variant.
Genome position (GRCh38, 1-based): chr5:149,898,415, T>A on the plus strand (A>T on the coding strand, the complement: PDE6A is on the minus strand). VCF-style: chr5-149898415-T-A. GRCh37 (hg19) VCF-style: chr5-149277978-T-A.
Other names: c.1355A>T (NM_000440.2); short protein forms D452V.
Identifiers: ClinVar variation 1508361 (VCV001508361.8), dbSNP rs763913898, ClinGen allele CA3504722.